The following is an entry in ClinVar:

ClinVar aggregate classification (germline): Uncertain significance. Review status: criteria provided, single submitter (1 of 4 stars). 2 submissions from 2 submitters: Uncertain significance (1). 1 of the submissions does not count toward it. Last evaluated 2026-03-10.

Conditions:
BBS10-related disorder. Also called: BBS10-related condition.

Submissions (2):

Women's Health and Genetics/Laboratory Corporation of America, LabCorp
Classification: Uncertain significance. Last evaluated: 2026-03-10. Review status: criteria provided, single submitter. Criteria: LabCorp Variant Classification Summary - May 2015. Collection method: clinical testing. Allele origin: germline.
Comment: Variant summary: BBS10 c.197+3A>G alters a conserved nucleotide located close to a canonical splice site and therefore could affect mRNA splicing, leading to a significantly altered protein sequence. Several computational tools predict a significant impact on normal splicing: Two predict the variant abolishes a 5' splicing donor site and two predict the variant weakens a 5' donor site. However, these predictions have yet to be confirmed by functional studies. The frequency data for this variant in gnomAD is considered unreliable, as metrics indicate poor data quality at this position. To our knowledge, no occurrence of c.197+3A>G in individuals affected with BBS10-related conditions and no experimental evidence demonstrating its impact on protein function have been reported. ClinVar contains an entry for this variant (Variation ID: 3345630). Based on the evidence outlined above, the variant was classified as uncertain significance.

PreventionGenetics, part of Exact Sciences
Classification: Uncertain significance for BBS10-related condition. Last evaluated: 2024-09-20. Review status: no assertion criteria provided. Collection method: clinical testing. Allele origin: germline. Not counted in ClinVar's aggregate classification.
Comment: The BBS10 c.197+3A>G variant is predicted to interfere with splicing. To our knowledge, this variant has not been reported in the literature or in gnomAD, indicating this variant is rare. At this time, the clinical significance of this variant is uncertain due to the absence of conclusive functional and genetic evidence.

NM_024685.4(BBS10):c.197+3A>G

Gene: BBS10 (Bardet-Biedl syndrome 10; minus strand). Cytogenetic location: 12q21.2.
Variant type: single nucleotide variant.
Coding change: c.197+3A>G on transcript NM_024685.4 (MANE Select); 3 bases into the intron after coding-DNA position 197, A replaced by G.
Molecular consequence: intron variant.
Genome position (GRCh38, 1-based): chr12:76,348,159, T>C on the plus strand (A>G on the coding strand, the complement: BBS10 is on the minus strand). VCF-style: chr12-76348159-T-C. GRCh37 (hg19) VCF-style: chr12-76741939-T-C.
Identifiers: ClinVar variation 3345630 (VCV003345630.2).
Genomic context (GRCh38, chr12:76,348,159, plus strand): 5'-CAAGAGCTCCACAGAGGCTGCCTGGGGTGCCCGGCTACGGGTTAGCGTGTGGGACGCGGG[T>C]ACCTGGCTATGGGATGCTCTAAGTGTAGCGCCTCCAGGAGGCGGCCTCCATTCCGGCTGA-3'